The following is an entry in ClinVar:

ClinVar aggregate classification (germline): Likely pathogenic. Review status: criteria provided, multiple submitters, no conflicts (2 of 4 stars). 3 submissions from 3 submitters: Likely pathogenic (2). 1 of the submissions does not count toward it. Last evaluated 2025-04-30.

Conditions:
Deafness-encephaloneuropathy-obesity-valvulopathy syndrome. Identifiers: Orphanet 254898, MedGen C3553354, MONDO:0013837, OMIM 614651.

Allele frequency attached by ClinVar (database versions not stated): TOPMed below 0.00001; gnomAD 0.00001; gnomAD exomes 0.00001; ExAC 0.00002.
gnomAD v4.1: 14 of 1,613,390 alleles (0.00087%); highest among the groups gnomAD compares: Admixed American, 0.0017%; no homozygotes.

Submissions (3):

Revvity Omics, Revvity
Classification: Likely pathogenic for Deafness-encephaloneuropathy-obesity-valvulopathy syndrome. Last evaluated: 2025-04-30. Review status: criteria provided, single submitter. Criteria: ACMG Guidelines, 2015. Collection method: clinical testing. Allele origin: germline.

Labcorp Genetics (formerly Invitae), Labcorp
Classification: Likely pathogenic. Last evaluated: 2024-12-29. Review status: criteria provided, single submitter. Criteria: Invitae Variant Classification Sherloc (09022015). Collection method: clinical testing. Allele origin: germline.
Comment: This sequence change creates a premature translational stop signal (p.Arg221*) in the PDSS1 gene. It is expected to result in an absent or disrupted protein product. However, the current clinical and genetic evidence is not sufficient to establish whether loss-of-function variants in PDSS1 cause disease. This variant is present in population databases (rs767499454, gnomAD 0.002%). This premature translational stop signal has been observed in individuals with PDSS1-related conditions (PMID: 22494076, 33285023). It has also been observed to segregate with disease in related individuals. ClinVar contains an entry for this variant (Variation ID: 2499451). Algorithms developed to predict the effect of sequence changes on RNA splicing suggest that this variant may disrupt the consensus splice site. In summary, the currently available evidence indicates that the variant is pathogenic, but additional data are needed to prove that conclusively. Therefore, this variant has been classified as Likely Pathogenic.

OMIM
Classification: Pathogenic for COENZYME Q10 DEFICIENCY, PRIMARY, 2. Last evaluated: 2023-04-18. Review status: no assertion criteria provided. Collection method: literature only. Allele origin: germline. Not counted in ClinVar's aggregate classification.

Literature cited by the submitters: PubMed 22494076 (cited by Labcorp Genetics (formerly Invitae), Labcorp and OMIM); PubMed 33285023 (cited by Labcorp Genetics (formerly Invitae), Labcorp).

NM_014317.5(PDSS1):c.661C>T (p.Arg221Ter)

Gene: PDSS1 (decaprenyl diphosphate synthase subunit 1; plus strand). Cytogenetic location: 10p12.1.
Variant type: single nucleotide variant.
Coding change: c.661C>T on transcript NM_014317.5 (MANE Select); coding-DNA position 661, C replaced by T.
Protein change: p.Arg221Ter; replaces arginine 221 with a stop codon.
Molecular consequence: nonsense.
Genome position (GRCh38, 1-based): chr10:26,723,857, C>T. VCF-style: chr10-26723857-C-T. GRCh37 (hg19) VCF-style: chr10-27012786-C-T.
Other names: R221*; c.661C>T, p.Arg221Ter (NM_001321978.2); c.151C>T, p.Arg51Ter (NM_001321979.2); short protein forms R51*.
Identifiers: ClinVar variation 2499451 (VCV002499451.4), dbSNP rs767499454, ClinGen allele CA5446991.